The following is an entry in ClinVar:

ClinVar aggregate classification (germline): Benign/Likely benign. Review status: criteria provided, multiple submitters, no conflicts (2 of 4 stars). 3 submissions from 3 submitters: Benign (1); Likely benign (1). 1 of the submissions does not count toward it. Last evaluated 2026-01-24.

Conditions:
ADAMTS18-related disorder. Also called: ADAMTS18-related condition.

Allele frequency attached by ClinVar (database versions not stated): gnomAD exomes 0.00016 and 0.00035; 1000 Genomes Project 0.00020; 1000 Genomes Project 30x 0.00031; ExAC 0.00042; gnomAD 0.00145 and 0.00156; ESP Exome Variant Server 0.00162; TOPMed 0.00162.
gnomAD v4.1: 468 of 1,614,004 alleles (0.029%); highest among the groups gnomAD compares: African/African-American, 0.49%; 2 homozygotes.

Submissions (3):

Labcorp Genetics (formerly Invitae), Labcorp
Classification: Benign. Last evaluated: 2026-01-24. Review status: criteria provided, single submitter. Criteria: Invitae Variant Classification Sherloc (09022015). Collection method: clinical testing. Allele origin: germline.

Blueprint Genetics
Classification: Likely benign. Last evaluated: 2024-06-05. Review status: criteria provided, single submitter. Criteria: ACMG Guidelines, 2015. Collection method: clinical testing. Allele origin: germline.

PreventionGenetics, part of Exact Sciences
Classification: Likely benign for ADAMTS18-related condition. Last evaluated: 2020-02-20. Review status: no assertion criteria provided. Collection method: clinical testing. Allele origin: germline. Not counted in ClinVar's aggregate classification.
Comment: This variant is classified as likely benign based on ACMG/AMP sequence variant interpretation guidelines (Richards et al. 2015 PMID: 25741868, with internal and published modifications).

NM_199355.4(ADAMTS18):c.2298G>A (p.Pro766=)

Gene: ADAMTS18 (ADAM metallopeptidase with thrombospondin type 1 motif 18; minus strand). Cytogenetic location: 16q23.1.
Variant type: single nucleotide variant.
Coding change: c.2298G>A on transcript NM_199355.4 (MANE Select); coding-DNA position 2298, G replaced by A.
Protein change: p.Pro766=; no amino-acid change (proline 766 retained).
Molecular consequence: synonymous variant.
Genome position (GRCh38, 1-based): chr16:77,320,083, C>T on the plus strand (G>A on the coding strand, the complement: ADAMTS18 is on the minus strand). VCF-style: chr16-77320083-C-T. GRCh37 (hg19) VCF-style: chr16-77353980-C-T.
Other names: c.2298G>A (NM_199355.3); c.1782G>A, p.Pro594= (NM_001326358.2).
Identifiers: ClinVar variation 1168817 (VCV001168817.12), dbSNP rs149346461, ClinGen allele CA8180959.
Genomic context (GRCh38, chr16:77,320,083, plus strand): 5'-GGAGGAAACCTGCAGCTCCTGGATTTCGATGCTTCGGGCGCCAGCTGGAATGAGGACCAC[C>T]GGATAATATTCTAAATGGAAAGAAGAGAACATGTCTGAATTCCACCCCATGCATTGGAGA-3'
Protein context (NP_955387.1, residues 756-776): LNQHKANEYY[Pro766=]VVLIPAGARS